The following is an entry in ClinVar:

ClinVar aggregate classification (germline): Uncertain significance (1 of 4 stars; one submission).

gnomAD v4.1: 2 of 1,514,156 alleles (0.00013%); highest among the groups gnomAD compares: Admixed American, 0.0042%; no homozygotes.

Submission:

Ambry Genetics
Classification: Uncertain significance. Last evaluated: 2024-09-06. Review status: criteria provided, single submitter. Criteria: Ambry Variant Classification Scheme 2023. Collection method: clinical testing. Allele origin: germline.
Comment: The p.I2151S variant (also known as c.6452T>G), located in coding exon 48 of the PRKDC gene, results from a T to G substitution at nucleotide position 6452. The isoleucine at codon 2151 is replaced by serine, an amino acid with dissimilar properties. This amino acid position is conserved. In addition, this alteration is predicted to be tolerated by in silico analysis. Based on the available evidence, the clinical significance of this variant remains unclear.

NM_006904.7(PRKDC):c.6452T>G (p.Ile2151Ser)

Gene: PRKDC (protein kinase, DNA-activated, catalytic subunit; minus strand). Cytogenetic location: 8q11.21.
Variant type: single nucleotide variant.
Coding change: c.6452T>G on transcript NM_006904.7 (MANE Select); coding-DNA position 6452, T replaced by G.
Protein change: p.Ile2151Ser; replaces isoleucine 2151 with serine.
Molecular consequence: missense variant.
Genome position (GRCh38, 1-based): chr8:47,858,529, A>C on the plus strand (T>G on the coding strand, the complement: PRKDC is on the minus strand). VCF-style: chr8-47858529-A-C. GRCh37 (hg19) VCF-style: chr8-48771090-A-C.
Other names: c.6452T>G, p.Ile2151Ser (NM_001081640.2); short protein forms I2151S.
Identifiers: ClinVar variation 3425326 (VCV003425326.1).